The following is an entry in ClinVar:

ClinVar aggregate classification (germline): Conflicting classifications of pathogenicity. Review status: criteria provided, conflicting classifications (1 of 4 stars). 7 submissions from 7 submitters: Uncertain significance (3); Likely benign (2). 2 of the submissions do not count toward it. Last evaluated 2026-01-28.

Conditions:
DYSF-related disorder. Also called: DYSF-related condition; DYSF-related disorders.
Neuromuscular disease caused by qualitative or quantitative defects of dysferlin. Also called: Dysferlinopathy; Qualitative or quantitative defects of dysferlin. Identifiers: Orphanet 207073, MedGen C2931687, MONDO:0016145.
Inborn genetic diseases. Identifiers: MedGen C0950123, MeSH D030342.
Autosomal recessive limb-girdle muscular dystrophy type 2B (LGMDR2). Also called: MUSCULAR DYSTROPHY, LIMB-GIRDLE, AUTOSOMAL RECESSIVE 2; Limb-girdle muscular dystrophy, type 2B; Limb-Girdle Muscular Dystrophy Type 2B (LGMD2B); MUSCULAR DYSTROPHY, LIMB-GIRDLE, TYPE 3. Identifiers: Orphanet 268, MedGen C1850889, MONDO:0009676, OMIM 253601.

Allele frequency attached by ClinVar (database versions not stated): 1000 Genomes Project 30x 0.00016; gnomAD 0.00018 and 0.00019; TOPMed 0.00019; 1000 Genomes Project 0.00020; ExAC 0.00029; gnomAD exomes 0.00029.
gnomAD v4.1: 177 of 1,614,178 alleles (0.011%); highest among the groups gnomAD compares: East Asian, 0.31%; no homozygotes.

Submissions (7):

Labcorp Genetics (formerly Invitae), Labcorp
Classification: Likely benign for Neuromuscular disease caused by qualitative or quantitative defects of dysferlin. Last evaluated: 2026-01-28. Review status: criteria provided, single submitter. Criteria: Invitae Variant Classification Sherloc (09022015). Collection method: clinical testing. Allele origin: germline.

Ambry Genetics
Classification: Uncertain significance for Inborn genetic diseases. Last evaluated: 2024-11-25. Review status: criteria provided, single submitter. Criteria: Ambry Variant Classification Scheme 2023. Collection method: clinical testing. Allele origin: germline.

GeneDx
Classification: Likely benign. Last evaluated: 2020-07-29. Review status: criteria provided, single submitter. Criteria: GeneDx Variant Classification Process June 2021. Collection method: clinical testing. Allele origin: germline. Affected: yes.

Athena Diagnostics
Classification: Uncertain significance. Last evaluated: 2018-12-24. Review status: criteria provided, single submitter. Criteria: Athena Diagnostics Criteria. Collection method: clinical testing. Allele origin: germline.

Eurofins Ntd Llc (ga)
Classification: Uncertain significance. Last evaluated: 2017-01-18. Review status: criteria provided, single submitter. Criteria: EGL Classification Definitions 2015. Collection method: clinical testing. Allele origin: germline. Observed: 3 variant alleles, 3 heterozygotes.

PreventionGenetics, part of Exact Sciences
Classification: Likely benign for DYSF-related condition. Last evaluated: 2021-08-30. Review status: no assertion criteria provided. Collection method: clinical testing. Allele origin: germline. Not counted in ClinVar's aggregate classification.
Comment: This variant is classified as likely benign based on ACMG/AMP sequence variant interpretation guidelines (Richards et al. 2015 PMID: 25741868, with internal and published modifications).

Natera, Inc.
Classification: Likely benign for Limb-girdle muscular dystrophy type 2B. Last evaluated: 2020-01-06. Review status: no assertion criteria provided. Collection method: clinical testing. Allele origin: germline. Not counted in ClinVar's aggregate classification.

NM_001130987.2(DYSF):c.2257C>A (p.His753Asn)

Gene: DYSF (dysferlin; plus strand). Cytogenetic location: 2p13.2.
Variant type: single nucleotide variant.
Coding change: c.2257C>A on transcript NM_001130987.2 (MANE Select); coding-DNA position 2257, C replaced by A.
Protein change: p.His753Asn; replaces histidine 753 with asparagine.
Molecular consequence: missense variant.
Genome position (GRCh38, 1-based): chr2:71,561,792, C>A. VCF-style: chr2-71561792-C-A. GRCh37 (hg19) VCF-style: chr2-71788922-C-A.
Other names: c.2206C>A, p.His736Asn (NM_001130455.2, NM_001130983.2); c.2161C>A, p.His721Asn (NM_001130976.2, NM_001130977.2); c.2203C>A, p.His735Asn (NM_001130978.2, NM_003494.4); c.2296C>A, p.His766Asn (NM_001130979.2); c.2254C>A, p.His752Asn (NM_001130980.2, NM_001130981.2); c.2299C>A, p.His767Asn (NM_001130982.2); c.2164C>A, p.His722Asn (NM_001130984.2, NM_001130986.2); c.2257C>A, p.His753Asn (NM_001130985.2); short protein forms H735N, H753N, H752N, H767N, H722N, H736N, H721N, H766N.
Identifiers: ClinVar variation 290257 (VCV000290257.26), dbSNP rs202123283, ClinGen allele CA1706110.